The following is an entry in ClinVar:

NM_014339.7(IL17RA):c.812_813delinsAA (p.Arg271Gln)

Gene: IL17RA (interleukin 17 receptor A; plus strand). Cytogenetic location: 22q11.1.
Variant type: Indel.
Coding change: c.812_813delinsAA on transcript NM_014339.7 (MANE Select); coding-DNA positions 812 to 813, GC replaced by AA.
Protein change: p.Arg271Gln; replaces arginine 271 with glutamine.
Molecular consequence: missense variant.
Genome position (GRCh38, 1-based): chr22:17,103,543-17,103,544, GC replaced by AA. VCF-style: chr22-17103543-GC-AA. GRCh37 (hg19) VCF-style: chr22-17584433-GC-AA.
Other names: c.812_813delGCinsAA (NM_014339.6); c.812_813delinsAA, p.Arg271Gln (NM_001289905.2); short protein forms R271Q.
Identifiers: ClinVar variation 656339 (VCV000656339.6), dbSNP rs1601345228, ClinGen allele CA915953011.

ClinVar aggregate classification (germline): Uncertain significance (1 of 4 stars; one submission).

Conditions:
Immunodeficiency 51 (IMD51). Also called: CANDIDIASIS, FAMILIAL, 5. Identifiers: Orphanet 1334, MedGen C4310803, MONDO:0013500, OMIM 613953.

Submission:

Labcorp Genetics (formerly Invitae), Labcorp
Classification: Uncertain significance for Immunodeficiency 51. Last evaluated: 2023-10-13. Review status: criteria provided, single submitter. Criteria: Invitae Variant Classification Sherloc (09022015). Collection method: clinical testing. Allele origin: germline.
Comment: This sequence change replaces arginine, which is basic and polar, with glutamine, which is neutral and polar, at codon 271 of the IL17RA protein (p.Arg271Gln). This variant is present in population databases (no rsID available, gnomAD 0.005%). This variant has not been reported in the literature in individuals affected with IL17RA-related conditions. ClinVar contains an entry for this variant (Variation ID: 656339). Algorithms developed to predict the effect of missense changes on protein structure and function output the following: SIFT: "Not Available"; PolyPhen-2: "Benign"; Align-GVGD: "Not Available". The glutamine amino acid residue is found in multiple mammalian species, which suggests that this missense change does not adversely affect protein function. In summary, the available evidence is currently insufficient to determine the role of this variant in disease. Therefore, it has been classified as a Variant of Uncertain Significance.